The following is an entry in ClinVar:

ClinVar aggregate classification (germline): Likely pathogenic (1 of 4 stars; one submission).

Conditions:
Gastrointestinal stromal tumor. Also called: Gastrointestinal stromal tumor, somatic; Gastrointestinal stroma tumor. Identifiers: Orphanet 44890, MedGen C0238198, MeSH D046152, MONDO:0011719, OMIM 606764, HP:0100723.
Pheochromocytoma/paraganglioma syndrome 3. Also called: GLOMUS TUMORS, FAMILIAL, 3; Paragangliomas 3; SDHC-Related Hereditary Paraganglioma-Pheochromocytoma Syndrome (Paragangliomas 3); SDHC-Related Hereditary Paraganglioma-Pheochromocytoma Syndrome. Identifiers: Orphanet 29072, MedGen C1854336, MONDO:0011544, OMIM 605373.

Submission:

Labcorp Genetics (formerly Invitae), Labcorp
Classification: Likely pathogenic for Pheochromocytoma/paraganglioma syndrome 3; Gastrointestinal stromal tumor. Last evaluated: 2024-12-07. Review status: criteria provided, single submitter. Criteria: Invitae Variant Classification Sherloc (09022015). Collection method: clinical testing. Allele origin: germline.
Comment: This sequence change affects a donor splice site in intron 1 of the SDHC gene. It is expected to disrupt RNA splicing. Variants that disrupt the donor or acceptor splice site typically lead to a loss of protein function (PMID: 16199547), and loss-of-function variants in SDHC are known to be pathogenic (PMID: 17667967, 19454582, 23282968, 24758179). This variant is not present in population databases (gnomAD no frequency). This variant has not been reported in the literature in individuals affected with SDHC-related conditions. Algorithms developed to predict the effect of sequence changes on RNA splicing suggest that this variant may disrupt the consensus splice site. In summary, the currently available evidence indicates that the variant is pathogenic, but additional data are needed to prove that conclusively. Therefore, this variant has been classified as Likely Pathogenic.

Literature cited by the submitters: PubMed 16199547; PubMed 17667967; PubMed 19454582; PubMed 23282968; PubMed 24758179.

NM_003001.5(SDHC):c.20+2T>A

Gene: SDHC (succinate dehydrogenase complex subunit C; plus strand). Cytogenetic location: 1q23.3.
Variant type: single nucleotide variant.
Coding change: c.20+2T>A on transcript NM_003001.5 (MANE Select); the canonical splice donor site of the intron after coding-DNA position 20, T replaced by A.
Molecular consequence: splice donor variant. On other transcripts: 5 prime UTR variant (1).
Genome position (GRCh38, 1-based): chr1:161,314,427, T>A. VCF-style: chr1-161314427-T-A. GRCh37 (hg19) VCF-style: chr1-161284217-T-A.
Other names: c.-539T>A (NM_001407119.1); c.-210+2T>A (NM_001407120.1); c.20+2T>A (NM_001407115.1, NM_001035511.3, NM_001035512.3 and 6 more transcripts).
Identifiers: ClinVar variation 3760798 (VCV003760798.2).